The following is an entry in ClinVar:

NM_080425.4(GNAS):c.397G>C (p.Ala133Pro)

Gene: GNAS (GNAS complex locus; plus strand). Cytogenetic location: 20q13.32.
Variant type: single nucleotide variant.
Coding change: c.397G>C on transcript NM_080425.4 (MANE Plus Clinical); coding-DNA position 397, G replaced by C.
Protein change: p.Ala133Pro; replaces alanine 133 with proline.
Molecular consequence: missense variant. On other transcripts: intron variant (3).
Genome position (GRCh38, 1-based): chr20:58,853,662, G>C. VCF-style: chr20-58853662-G-C. GRCh37 (hg19) VCF-style: chr20-57428717-G-C.
Other names: c.210G>C, p.Arg70Ser (NM_001077490.3, NM_001309883.1); c.397G>C, p.Ala133Pro (NM_001410913.1); c.*42+12776G>C (NM_016592.5); c.43+12776G>C (NM_001410912.1); c.-39+11787G>C (NM_001309861.2); short protein forms A133P, R70S.
Identifiers: ClinVar variation 2631141 (VCV002631141.2), dbSNP rs749855309, ClinGen allele CA9926460.

ClinVar aggregate classification (germline): Uncertain significance (0 of 4 stars; one submission).

Conditions:
GNAS-related disorder. Identifiers: MedGen CN380105.

Allele frequency attached by ClinVar (database versions not stated): gnomAD exomes 0.00003; ExAC 0.00001; gnomAD 0.00001; TOPMed 0.00002.

Submission:

PreventionGenetics, part of Exact Sciences
Classification: Uncertain significance for GNAS-related condition. Last evaluated: 2024-04-09. Review status: no assertion criteria provided. Collection method: clinical testing. Allele origin: germline.
Comment: The GNAS c.397G>C variant is predicted to result in the amino acid substitution p.Ala133Pro. To our knowledge, this variant has not been reported in the literature. This variant is reported in 0.0018% of alleles in individuals of European (Non-Finnish) descent in gnomAD. Note that in the primary transcript listed in the Human Gene Mutation Database (HGMD), this variant is pre-coding (NM_000516.7, c.-38065G>C). At this time, the clinical significance of this variant is uncertain due to the absence of conclusive functional and genetic evidence.